The following is an entry in ClinVar:

NM_006767.4(LZTR1):c.1261-2A>C

Gene: LZTR1 (leucine zipper like post translational regulator 1; plus strand). Cytogenetic location: 22q11.21.
Variant type: single nucleotide variant.
Coding change: c.1261-2A>C on transcript NM_006767.4 (MANE Select); the canonical splice acceptor site of the intron before coding-DNA position 1261, A replaced by C.
Molecular consequence: splice acceptor variant.
Genome position (GRCh38, 1-based): chr22:20,993,660, A>C. VCF-style: chr22-20993660-A-C. GRCh37 (hg19) VCF-style: chr22-21347949-A-C.
Identifiers: ClinVar variation 4101843 (VCV004101843.1).

ClinVar aggregate classification (germline): Uncertain significance (1 of 4 stars; one submission).

Conditions:
Cardiovascular phenotype. Identifiers: MedGen CN230736.
Hereditary cancer-predisposing syndrome. Also called: Tumor predisposition; Neoplastic Syndromes, Hereditary; Hereditary neoplastic syndrome; Hereditary Cancer Syndrome. Identifiers: Orphanet 140162, MedGen C0027672, MeSH D009386, MONDO:0015356.

gnomAD v4.1: 3 of 1,612,648 alleles (0.00019%); highest among the groups gnomAD compares: Non-Finnish European, 0.00025%; no homozygotes.

Submission:

Ambry Genetics
Classification: Uncertain significance for Cardiovascular phenotype; Hereditary cancer-predisposing syndrome. Last evaluated: 2025-07-23. Review status: criteria provided, single submitter. Criteria: Ambry Variant Classification Scheme 2023. Collection method: clinical testing. Allele origin: germline.
Comment: The c.1261-2A>C intronic variant results from an A to C substitution two nucleotides upstream from coding exon 12 in the LZTR1 gene. Alterations that disrupt the canonical splice site are expected to result in aberrant splicing. In silico splice site analysis predicts that this alteration will weaken the native splice acceptor site and may result in the creation or strengthening of a novel splice acceptor site. A resulting transcript is predicted to be in-frame and is not expected to trigger nonsense-mediated mRNAdecay; although, direct evidence is unavailable. This nucleotide position is highly conserved in available vertebrate species. Based on the available evidence, the clinical significance of this variant remains unclear.